The following is an entry in ClinVar:

NM_198578.4(LRRK2):c.5245C>A (p.Leu1749Met)

Gene: LRRK2 (leucine rich repeat kinase 2; plus strand). Cytogenetic location: 12q12.
Variant type: single nucleotide variant.
Coding change: c.5245C>A on transcript NM_198578.4 (MANE Select); coding-DNA position 5245, C replaced by A.
Protein change: p.Leu1749Met; replaces leucine 1749 with methionine.
Molecular consequence: missense variant.
Genome position (GRCh38, 1-based): chr12:40,322,109, C>A. VCF-style: chr12-40322109-C-A. GRCh37 (hg19) VCF-style: chr12-40715911-C-A.
Other names: short protein forms L1749M.
Identifiers: ClinVar variation 1746315 (VCV001746315.3), dbSNP rs1475995159, ClinGen allele CA384420321.

ClinVar aggregate classification (germline): Uncertain significance (1 of 4 stars; one submission).

Conditions:
Inborn genetic diseases. Identifiers: MedGen C0950123, MeSH D030342.

Allele frequency attached by ClinVar (database versions not stated): gnomAD exomes below 0.00001.
gnomAD v4.1: 1 of 1,613,048 alleles (0.000062%); highest among the groups gnomAD compares: Admixed American, 0.0017%; no homozygotes.

Submission:

Ambry Genetics
Classification: Uncertain significance for Inborn genetic diseases. Last evaluated: 2024-10-31. Review status: criteria provided, single submitter. Criteria: Ambry Variant Classification Scheme 2023. Collection method: clinical testing. Allele origin: germline.
Comment: The p.L1749M variant (also known as c.5245C>A), located in coding exon 36 of the LRRK2 gene, results from a C to A substitution at nucleotide position 5245. The leucine at codon 1749 is replaced by methionine, an amino acid with highly similar properties. This amino acid position is conserved. In addition, the in silico prediction for this alteration is inconclusive. Since supporting evidence is limited at this time, the clinical significance of this alteration remains unclear.